The following is an entry in ClinVar:

NM_032444.4(SLX4):c.2666A>G (p.Gln889Arg)

Gene: SLX4 (SLX4 structure-specific endonuclease subunit; minus strand). Cytogenetic location: 16p13.3.
Variant type: single nucleotide variant.
Coding change: c.2666A>G on transcript NM_032444.4 (MANE Select); coding-DNA position 2666, A replaced by G.
Protein change: p.Gln889Arg; replaces glutamine 889 with arginine.
Molecular consequence: missense variant.
Genome position (GRCh38, 1-based): chr16:3,590,972, T>C on the plus strand (A>G on the coding strand, the complement: SLX4 is on the minus strand). VCF-style: chr16-3590972-T-C. GRCh37 (hg19) VCF-style: chr16-3640973-T-C.
Other names: short protein forms Q889R.
Identifiers: ClinVar variation 2890663 (VCV002890663.3), dbSNP rs2548214116, ClinGen allele CA394523217.
Genomic context (GRCh38, chr16:3,590,972, plus strand): 5'-AACGGCTCCATCTCCTCCACCTTGTCCCACTGTTTCTGCACCTGGACACCTGCTAGGAGT[T>C]GCCCAGAAACCGGACTGCCACCCTCCAGCCAGTCAGCGTCCTCGCCGGCACCCGCTGCCC-3'
Protein context (NP_115820.2, residues 879-899): WLEGGSPVSG[Gln889Arg]LLAGVQVQKQ

ClinVar aggregate classification (germline): Uncertain significance (1 of 4 stars; one submission).

Conditions:
Fanconi anemia (FA). Also called: Fanconi's anemia. Identifiers: Orphanet 84, MedGen C0015625, MeSH D005199, MONDO:0019391.

Allele frequency attached by ClinVar (database versions not stated): gnomAD exomes below 0.00001.
gnomAD v4.1: 1 of 1,614,186 alleles (0.000062%); highest among the groups gnomAD compares: Non-Finnish European, 0.000085%; no homozygotes.

Submission:

Labcorp Genetics (formerly Invitae), Labcorp
Classification: Uncertain significance for Fanconi anemia. Last evaluated: 2025-09-08. Review status: criteria provided, single submitter. Criteria: Invitae Variant Classification Sherloc (09022015). Collection method: clinical testing. Allele origin: germline.
Comment: This sequence change replaces glutamine, which is neutral and polar, with arginine, which is basic and polar, at codon 889 of the SLX4 protein (p.Gln889Arg). This variant is not present in population databases (gnomAD no frequency). This variant has not been reported in the literature in individuals affected with SLX4-related conditions. ClinVar contains an entry for this variant (Variation ID: 2890663). An algorithm developed to predict the effect of missense changes on protein structure and function outputs the following: PolyPhen-2: "Benign". The arginine amino acid residue is found in multiple mammalian species, which suggests that this missense change does not adversely affect protein function. In summary, the available evidence is currently insufficient to determine the role of this variant in disease. Therefore, it has been classified as a Variant of Uncertain Significance.